The following is an entry in ClinVar:

NM_025074.7(FRAS1):c.4157del (p.Pro1386fs)

Gene: FRAS1 (Fraser extracellular matrix complex subunit 1; plus strand). Cytogenetic location: 4q21.21.
Variant type: Deletion.
Coding change: c.4157del on transcript NM_025074.7 (MANE Select); coding-DNA position 4157, one base deleted (C; older notation c.4157delC).
Protein change: p.Pro1386fs; shifts the reading frame from proline 1386.
Molecular consequence: frameshift variant.
Genome position (GRCh38, 1-based): chr4:78,407,690, C deleted; the last of 2 consecutive C bases (chr4:78,407,689-78,407,690); deleting either gives the same sequence. VCF-style (leftmost placement, unchanged base first): chr4-78407688-GC-G. GRCh37 (hg19) VCF-style: chr4-79328842-GC-G.
Other names: c.4157del, p.Pro1386fs (NM_001166133.2); short protein forms P1386fs.
Identifiers: ClinVar variation 2731906 (VCV002731906.3), dbSNP rs2477052695, ClinGen allele CA2671133540.

ClinVar aggregate classification (germline): Pathogenic (1 of 4 stars; one submission).

Submission:

Labcorp Genetics (formerly Invitae), Labcorp
Classification: Pathogenic. Last evaluated: 2023-06-28. Review status: criteria provided, single submitter. Criteria: Invitae Variant Classification Sherloc (09022015). Collection method: clinical testing. Allele origin: germline.
Comment: For these reasons, this variant has been classified as Pathogenic. This variant has not been reported in the literature in individuals affected with FRAS1-related conditions. This variant is not present in population databases (gnomAD no frequency). This sequence change creates a premature translational stop signal (p.Pro1386Leufs*89) in the FRAS1 gene. It is expected to result in an absent or disrupted protein product. Loss-of-function variants in FRAS1 are known to be pathogenic (PMID: 12766769, 18671281).

Literature cited by the submitters: PubMed 12766769; PubMed 18671281.